The following is an entry in ClinVar:

NM_000275.3(OCA2):c.574-18C>T

Gene: OCA2 (OCA2 melanosomal transmembrane protein; minus strand). Cytogenetic location: 15q13.1.
Variant type: single nucleotide variant.
Coding change: c.574-18C>T on transcript NM_000275.3 (MANE Select); 18 bases into the intron before coding-DNA position 574, C replaced by T.
Molecular consequence: intron variant.
Genome position (GRCh38, 1-based): chr15:28,022,591, G>A on the plus strand (C>T on the coding strand, the complement: OCA2 is on the minus strand). VCF-style: chr15-28022591-G-A. GRCh37 (hg19) VCF-style: chr15-28267737-G-A.
Other names: c.574-18C>T (NM_000275.2, NM_001300984.2).
Identifiers: ClinVar variation 1165379 (VCV001165379.13), dbSNP rs149992727, ClinGen allele CA7439420.

ClinVar aggregate classification (germline): Benign/Likely benign. Review status: criteria provided, multiple submitters, no conflicts (2 of 4 stars). 4 submissions from 4 submitters: Benign (2); Likely benign (1). 1 of the submissions does not count toward it. Last evaluated 2026-02-04.

Conditions:
OCA2-related disorder. Also called: OCA2-related condition.

Allele frequency attached by ClinVar (database versions not stated): gnomAD exomes 0.00135; ExAC 0.00180; gnomAD 0.00518 and 0.00559; 1000 Genomes Project 0.00559; ESP Exome Variant Server 0.00607; TOPMed 0.00607; 1000 Genomes Project 30x 0.00640.
gnomAD v4.1: 1,575 of 1,593,828 alleles (0.099%); highest among the groups gnomAD compares: African/African-American, 1.8%; 11 homozygotes.

Submissions (4):

Labcorp Genetics (formerly Invitae), Labcorp
Classification: Benign. Last evaluated: 2026-02-04. Review status: criteria provided, single submitter. Criteria: Invitae Variant Classification Sherloc (09022015). Collection method: clinical testing. Allele origin: germline.

Blueprint Genetics
Classification: Likely benign. Last evaluated: 2024-10-24. Review status: criteria provided, single submitter. Criteria: ACMG Guidelines, 2015. Collection method: clinical testing. Allele origin: germline.

Breakthrough Genomics
Classification: Benign. Review status: criteria provided, single submitter. Criteria: ACMG Guidelines, 2015. Collection method: not provided. Allele origin: germline. Inheritance: Autosomal recessive inheritance. Affected: yes.

PreventionGenetics, part of Exact Sciences
Classification: Likely benign for OCA2-related condition. Last evaluated: 2019-06-12. Review status: no assertion criteria provided. Collection method: clinical testing. Allele origin: germline. Not counted in ClinVar's aggregate classification.
Comment: This variant is classified as likely benign based on ACMG/AMP sequence variant interpretation guidelines (Richards et al. 2015 PMID: 25741868, with internal and published modifications).